The following is an entry in ClinVar:

NM_002267.4(KPNA3):c.1060A>C (p.Thr354Pro)

Gene: KPNA3 (karyopherin subunit alpha 3; minus strand). Cytogenetic location: 13q14.2.
Variant type: single nucleotide variant.
Coding change: c.1060A>C on transcript NM_002267.4 (MANE Select); coding-DNA position 1060, A replaced by C.
Protein change: p.Thr354Pro; replaces threonine 354 with proline.
Molecular consequence: missense variant.
Genome position (GRCh38, 1-based): chr13:49,706,345, T>G on the plus strand (A>C on the coding strand, the complement: KPNA3 is on the minus strand). VCF-style: chr13-49706345-T-G. GRCh37 (hg19) VCF-style: chr13-50280481-T-G.
Other names: short protein forms T354P.
Identifiers: ClinVar variation 4995097 (VCV004995097.1).
Genomic context (GRCh38, chr13:49,706,345, plus strand): 5'-TTATCATAGGAATTAATCCAGCATCTATTACAGCTTGAACTTGTTGCTGGTTGCCTGCTG[T>G]TATGTTGGAAAGGAACCACACTGCTTCCTATAATTGAACAAAATATAGGGCACCTTTATT-3'
Protein context (NP_002258.2, residues 344-364): KEAVWFLSNI[Thr354Pro]AGNQQQVQAV

ClinVar aggregate classification (germline): Uncertain significance (1 of 4 stars; one submission).

Conditions:
KPNA3-related condition.

Submission:

PreventionGenetics, part of Exact Sciences
Classification: Uncertain significance for KPNA3-related condition. Last evaluated: 2026-07-27. Review status: criteria provided, single submitter. Criteria: ACMG Guidelines, 2015. Collection method: clinical testing. Allele origin: germline.
Comment: The KPNA3 c.1060A>C variant is predicted to result in the amino acid substitution p.Thr354Pro. To our knowledge, this variant has not been reported in the literature or in a large population database (gnomAD), indicating this variant is rare. At this time, the clinical significance of this variant is uncertain due to the absence of conclusive functional and genetic evidence.